The following is an entry in ClinVar:

NM_005477.3(HCN4):c.2102G>A (p.Arg701Lys)

Gene: HCN4 (hyperpolarization activated cyclic nucleotide gated potassium channel 4; minus strand). Cytogenetic location: 15q24.1.
Variant type: single nucleotide variant.
Coding change: c.2102G>A on transcript NM_005477.3 (MANE Select); coding-DNA position 2102, G replaced by A.
Protein change: p.Arg701Lys; replaces arginine 701 with lysine.
Molecular consequence: missense variant.
Genome position (GRCh38, 1-based): chr15:73,324,130, C>T on the plus strand (G>A on the coding strand, the complement: HCN4 is on the minus strand). VCF-style: chr15-73324130-C-T. GRCh37 (hg19) VCF-style: chr15-73616471-C-T.
Other names: short protein forms R701K.
Identifiers: ClinVar variation 4806737 (VCV004806737.1).

ClinVar aggregate classification (germline): Uncertain significance (1 of 4 stars; one submission).

Conditions:
Brugada syndrome 8 (BRGDA8). Identifiers: Orphanet 130, MedGen C2751083, MONDO:0013148, OMIM 613123.

Submission:

Labcorp Genetics (formerly Invitae), Labcorp
Classification: Uncertain significance for Brugada syndrome 8. Last evaluated: 2026-01-12. Review status: criteria provided, single submitter. Criteria: Invitae Variant Classification Sherloc (09022015). Collection method: clinical testing. Allele origin: germline.
Comment: This sequence change replaces arginine, which is basic and polar, with lysine, which is basic and polar, at codon 701 of the HCN4 protein (p.Arg701Lys). This variant is not present in population databases (gnomAD no frequency). This variant has not been reported in the literature in individuals affected with HCN4-related conditions. Invitae Evidence Modeling of protein sequence and biophysical properties (such as structural, functional, and spatial information, amino acid conservation, physicochemical variation, residue mobility, and thermodynamic stability) has been performed for this missense variant. However, the output from this modeling did not meet the statistical confidence thresholds required to predict the impact of this variant on HCN4 protein function. In summary, the available evidence is currently insufficient to determine the role of this variant in disease. Therefore, it has been classified as a Variant of Uncertain Significance.